The following is an entry in ClinVar:

NM_006531.5(IFT88):c.1390A>G (p.Lys464Glu)

Gene: IFT88 (intraflagellar transport 88; plus strand). Cytogenetic location: 13q12.11.
Variant type: single nucleotide variant.
Coding change: c.1390A>G on transcript NM_006531.5 (MANE Select); coding-DNA position 1390, A replaced by G.
Protein change: p.Lys464Glu; replaces lysine 464 with glutamic acid.
Molecular consequence: missense variant. On other transcripts: non-coding transcript variant (4).
Genome position (GRCh38, 1-based): chr13:20,638,335, A>G. VCF-style: chr13-20638335-A-G. GRCh37 (hg19) VCF-style: chr13-21212474-A-G.
Other names: c.1333A>G, p.Lys445Glu (NM_001318491.2, NM_001353575.2); c.1417A>G, p.Lys473Glu (NM_001318493.2, NM_001353565.2, NM_001353566.2 and 2 more transcripts); c.1390A>G, p.Lys464Glu (NM_001353568.2, NM_001353572.2); c.1315A>G, p.Lys439Glu (NM_001353569.2, NM_001353570.2, NM_001353576.2 and 1 more transcripts); c.1288A>G, p.Lys430Glu (NM_001353571.2, NM_001353578.2); c.1246A>G, p.Lys416Glu (NM_001353573.2); c.1231A>G, p.Lys411Glu (NM_001353574.2); c.757A>G, p.Lys253Glu (NM_001353579.2); short protein forms K411E, K445E, K416E, K430E, K439E, K464E, K253E, K473E.
Identifiers: ClinVar variation 4700439 (VCV004700439.1).
Genomic context (GRCh38, chr13:20,638,335, plus strand): 5'-ACAGTCAGAAAAGGTATTTCATGAAATTCAAATAATTTGTATATGTATTTTACTTAGGGA[A>G]AGGATTTTGCACAAGCCAGCAGCTATGCAGATATAGCTGTGAACTCTGATAGATATAATC-3'
Protein context (NP_006522.2, residues 454-474): TNLSALYYMG[Lys464Glu]DFAQASSYAD

ClinVar aggregate classification (germline): Uncertain significance (1 of 4 stars; one submission).

Submission:

Labcorp Genetics (formerly Invitae), Labcorp
Classification: Uncertain significance. Last evaluated: 2025-10-02. Review status: criteria provided, single submitter. Criteria: Invitae Variant Classification Sherloc (09022015). Collection method: clinical testing. Allele origin: germline.
Comment: This sequence change replaces lysine, which is basic and polar, with glutamic acid, which is acidic and polar, at codon 473 of the IFT88 protein (p.Lys473Glu). This variant is not present in population databases (gnomAD no frequency). This variant has not been reported in the literature in individuals affected with IFT88-related conditions. An algorithm developed to predict the effect of missense changes on protein structure and function (PolyPhen-2) suggests that this variant is likely to be tolerated. In summary, the available evidence is currently insufficient to determine the role of this variant in disease. Therefore, it has been classified as a Variant of Uncertain Significance.